The following is an entry in ClinVar:

NM_000355.4(TCN2):c.344del (p.Asn115fs)

Gene: TCN2 (transcobalamin 2; plus strand). Cytogenetic location: 22q12.2.
Variant type: Deletion.
Coding change: c.344del on transcript NM_000355.4 (MANE Select); coding-DNA position 344, one base deleted (A; older notation c.344delA).
Protein change: p.Asn115fs; shifts the reading frame from asparagine 115.
Molecular consequence: frameshift variant.
Genome position (GRCh38, 1-based): chr22:30,612,959, A deleted; the last of 2 consecutive A bases (chr22:30,612,958-30,612,959); deleting either gives the same sequence. VCF-style (leftmost placement, unchanged base first): chr22-30612957-CA-C. GRCh37 (hg19) VCF-style: chr22-31008944-CA-C.
Other names: c.344del, p.Asn115fs (NM_001184726.2); short protein forms N115fs.
Identifiers: ClinVar variation 2633460 (VCV002633460.4), dbSNP rs2517903551, ClinGen allele CA2577687142.

ClinVar aggregate classification (germline): Pathogenic/Likely pathogenic. Review status: criteria provided, multiple submitters, no conflicts (2 of 4 stars). 2 submissions from 2 submitters: Pathogenic (1); Likely pathogenic (1). Last evaluated 2023-08-24.

Conditions:
Transcobalamin II deficiency (TCN2D). Also called: Transcolabamin II deficiency; TC II DEFICIENCY; TCN2 DEFICIENCY. Identifiers: Orphanet 859, MedGen C0342701, MONDO:0010149, OMIM 275350.
TCN2-related disorder. Also called: TCN2-related condition.

Submissions (2):

Labcorp Genetics (formerly Invitae), Labcorp
Classification: Pathogenic for Transcobalamin II deficiency. Last evaluated: 2023-08-24. Review status: criteria provided, single submitter. Criteria: Invitae Variant Classification Sherloc (09022015). Collection method: clinical testing. Allele origin: germline.
Comment: For these reasons, this variant has been classified as Pathogenic. This variant has not been reported in the literature in individuals affected with TCN2-related conditions. This variant is not present in population databases (gnomAD no frequency). This sequence change creates a premature translational stop signal (p.Asn115Thrfs*92) in the TCN2 gene. It is expected to result in an absent or disrupted protein product. Loss-of-function variants in TCN2 are known to be pathogenic (PMID: 7980584, 20352340).

PreventionGenetics, part of Exact Sciences
Classification: Likely pathogenic for TCN2-related condition. Last evaluated: 2023-03-15. Review status: criteria provided, single submitter. Criteria: ACMG Guidelines, 2015. Collection method: clinical testing. Allele origin: germline.
Comment: The TCN2 c.344delA variant is predicted to result in a frameshift and premature protein termination (p.Asn115Thrfs*92). To our knowledge, this variant has not been reported in the literature or in a large population database, indicating this variant is rare. Frameshift variants in TCN2 are expected to be pathogenic. This variant is interpreted as likely pathogenic.

Literature cited by the submitters: PubMed 7980584 (cited by Labcorp Genetics (formerly Invitae), Labcorp); PubMed 20352340 (cited by Labcorp Genetics (formerly Invitae), Labcorp).